The following is an entry in ClinVar:

NM_000222.3(KIT):c.2622G>A (p.Pro874=)

Gene: KIT (KIT proto-oncogene, receptor tyrosine kinase; plus strand). Cytogenetic location: 4q12.
Variant type: single nucleotide variant.
Coding change: c.2622G>A on transcript NM_000222.3 (MANE Select); coding-DNA position 2622, G replaced by A.
Protein change: p.Pro874=; no amino-acid change (proline 874 retained).
Molecular consequence: synonymous variant.
Genome position (GRCh38, 1-based): chr4:54,736,746, G>A. VCF-style: chr4-54736746-G-A. GRCh37 (hg19) VCF-style: chr4-55602912-G-A.
Other names: p.Pro874=; c.2610G>A, p.Pro870= (NM_001093772.2, NM_001385292.1); c.2625G>A, p.Pro875= (NM_001385284.1); c.2619G>A, p.Pro873= (NM_001385285.1); c.2607G>A, p.Pro869= (NM_001385286.1); c.2613G>A, p.Pro871= (NM_001385288.1); c.2622G>A, p.Pro874= (NM_001385290.1).
Identifiers: ClinVar variation 220917 (VCV000220917.65), dbSNP rs55817813, ClinGen allele CA348367.

ClinVar aggregate classification (germline): Conflicting classifications of pathogenicity. Review status: criteria provided, conflicting classifications (1 of 4 stars). 16 submissions from 14 submitters: Uncertain significance (1); Benign (6); Likely benign (5). 4 of the submissions do not count toward it. Last evaluated 2026-08-01.

Conditions:
Hereditary cancer-predisposing syndrome. Also called: Neoplastic Syndromes, Hereditary; Tumor predisposition; Hereditary Cancer Syndrome; Hereditary neoplastic syndrome. Identifiers: Orphanet 140162, MedGen C0027672, MeSH D009386, MONDO:0015356.
Gastrointestinal stromal tumor. Also called: Gastrointestinal stroma tumor; Gastrointestinal stromal tumor, somatic. Identifiers: Orphanet 44890, MedGen C0238198, MeSH D046152, MONDO:0011719, OMIM 606764, HP:0100723.
Mastocytosis. Also called: Mast Cell Disease. Identifiers: Orphanet 98292, MedGen C0024899, MONDO:0007950, HP:0100495.
Piebaldism. Also called: Piebald skin depigmentation. Identifiers: Orphanet 2884, MedGen C0080024, MONDO:0008244, OMIM 172800, HP:0007544.

Allele frequency attached by ClinVar (database versions not stated): 1000 Genomes Project 30x 0.00125; 1000 Genomes Project 0.00160; TOPMed 0.00170; ESP Exome Variant Server 0.00177; gnomAD 0.00188.

Submissions (16):

CeGaT Center for Human Genetics Tuebingen
Classification: Likely benign. Last evaluated: 2026-08-01. Review status: criteria provided, single submitter. Criteria: CeGaT Center For Human Genetics Tuebingen Variant Classification Criteria Version 2. Collection method: clinical testing. Allele origin: germline. Affected: yes. Observed: 27 variant alleles.
Comment: KIT: BP4, BP7

Myriad Genetics, Inc.
Classification: Benign for Gastrointestinal stromal tumor. Last evaluated: 2026-06-05. Review status: criteria provided, single submitter. Criteria: Myriad Autosomal Dominant, Autosomal Recessive and X-Linked Classification Criteria (2023). Collection method: clinical testing. Allele origin: unknown.
Comment: This variant is considered benign. This variant is a silent/synonymous amino acid change and it is not expected to impact splicing.

Labcorp Genetics (formerly Invitae), Labcorp
Classification: Benign for Gastrointestinal stromal tumor. Last evaluated: 2026-02-04. Review status: criteria provided, single submitter. Criteria: Invitae Variant Classification Sherloc (09022015). Collection method: clinical testing. Allele origin: germline.

Mayo Clinic Laboratories, Mayo Clinic
Classification: Likely benign. Last evaluated: 2025-11-07. Review status: criteria provided, single submitter. Criteria: ACMG Guidelines, 2015. Collection method: clinical testing. Allele origin: germline. Observed: 2 variant alleles.
Comment: BS1, BP4, BP7

Blueprint Genetics
Classification: Likely benign. Last evaluated: 2024-11-26. Review status: criteria provided, single submitter. Criteria: ACMG Guidelines, 2015. Collection method: clinical testing. Allele origin: germline.

ARUP Laboratories, Molecular Genetics and Genomics, ARUP Laboratories
Classification: Likely benign. Last evaluated: 2024-04-23. Review status: criteria provided, single submitter. Criteria: ARUP Molecular Germline Variant Investigation Process 2024. Collection method: clinical testing. Allele origin: germline.

KCCC/NGS Laboratory, Kuwait Cancer Control Center
Classification: Benign for Gastrointestinal stromal tumor. Last evaluated: 2023-07-07. Review status: criteria provided, single submitter. Criteria: ACMG Guidelines, 2015. Collection method: clinical testing. Allele origin: germline. Affected: yes.

Ambry Genetics
Classification: Likely benign for Hereditary cancer-predisposing syndrome. Last evaluated: 2023-06-06. Review status: criteria provided, single submitter. Criteria: Ambry Variant Classification Scheme 2023. Collection method: clinical testing. Allele origin: germline.

Sema4
Classification: Benign for Hereditary cancer-predisposing syndrome. Last evaluated: 2021-05-20. Review status: criteria provided, single submitter. Criteria: Sema4 Curation Guidelines. Collection method: curation. Allele origin: germline.

Illumina Laboratory Services, Illumina
Classification: Benign for Cutaneous mastocytosis. Last evaluated: 2017-04-27. Review status: criteria provided, single submitter. Criteria: ICSL Variant Classification Criteria 13 December 2019. Collection method: clinical testing. Allele origin: germline.
Comment: This variant was observed as part of a predisposition screen in an ostensibly healthy population. A literature search was performed for the gene, cDNA change, and amino acid change (where applicable). No publications were found based on this search. Allele frequency data from public databases was too high to be consistent with this variant causing disease. Therefore, this variant is classified as benign.

Illumina Laboratory Services, Illumina
Classification: Benign for Gastrointestinal stromal tumor. Last evaluated: 2017-04-27. Review status: criteria provided, single submitter. Criteria: ICSL Variant Classification Criteria 13 December 2019. Collection method: clinical testing. Allele origin: germline.
Comment: the same text as in the submission from Illumina Laboratory Services, Illumina above.

Illumina Laboratory Services, Illumina
Classification: Uncertain significance for Piebaldism. Last evaluated: 2017-04-27. Review status: criteria provided, single submitter. Criteria: ICSL Variant Classification Criteria 13 December 2019. Collection method: clinical testing. Allele origin: germline.

Clinical Genetics DNA and cytogenetics Diagnostics Lab, Erasmus MC, Erasmus Medical Center
Classification: Likely benign. Review status: no assertion criteria provided. Collection method: clinical testing. Allele origin: germline. Affected: yes. Study: VKGL Data-share Consensus. Not counted in ClinVar's aggregate classification.

Diagnostic Laboratory, Department of Genetics, University Medical Center Groningen
Classification: Likely benign. Review status: no assertion criteria provided. Collection method: clinical testing. Allele origin: germline. Affected: yes. Study: VKGL Data-share Consensus. Not counted in ClinVar's aggregate classification.

Genome Diagnostics Laboratory, Amsterdam University Medical Center
Classification: Likely benign. Review status: no assertion criteria provided. Collection method: clinical testing. Allele origin: germline. Affected: yes. Study: VKGL Data-share Consensus. Not counted in ClinVar's aggregate classification.

Laboratory of Diagnostic Genome Analysis, Leiden University Medical Center (LUMC)
Classification: Likely benign. Review status: no assertion criteria provided. Collection method: clinical testing. Allele origin: germline. Affected: yes. Study: VKGL Data-share Consensus. Not counted in ClinVar's aggregate classification.